The following is an entry in ClinVar:

ClinVar aggregate classification (germline): Uncertain significance (1 of 4 stars; one submission).

Submission:

GeneDx
Classification: Uncertain significance. Last evaluated: 2024-08-03. Review status: criteria provided, single submitter. Criteria: GeneDx Variant Classification Process June 2021. Collection method: clinical testing. Allele origin: germline. Affected: yes.
Comment: Not observed at significant frequency in large population cohorts (gnomAD); In silico analysis supports that this missense variant has a deleterious effect on protein structure/function; Has not been previously published as pathogenic or benign to our knowledge

NM_001353921.2(ARHGEF9):c.183G>C (p.Glu61Asp)

Gene: ARHGEF9 (Cdc42 guanine nucleotide exchange factor 9; minus strand). Cytogenetic location: Xq11.1.
Variant type: single nucleotide variant.
Coding change: c.183G>C on transcript NM_001353921.2 (MANE Select); coding-DNA position 183, G replaced by C.
Protein change: p.Glu61Asp; replaces glutamic acid 61 with aspartic acid.
Molecular consequence: missense variant. On other transcripts: 5 prime UTR variant (2), intron variant (6).
Genome position (GRCh38, 1-based): chrX:63,724,559, C>G on the plus strand (G>C on the coding strand, the complement: ARHGEF9 is on the minus strand). VCF-style: chrX-63724559-C-G. GRCh37 (hg19) VCF-style: chrX-62944439-C-G.
Other names: c.99G>C, p.Glu33Asp (NM_001369035.1, NM_001369036.1, NM_001369037.1 and 8 more transcripts); c.-281G>C (NM_001369042.1); c.-521G>C (NM_001369045.1); c.162G>C, p.Glu54Asp (NM_015185.3, NM_001353928.2, NM_001369030.1 and 2 more transcripts); c.31-18110G>C (NM_001173479.2); c.10-18110G>C (NM_001369040.1, NM_001369039.1, NM_001353926.2 and 1 more transcripts); c.-117-18110G>C (NM_001173480.2); c.183G>C, p.Glu61Asp (NM_001353922.2); and 1 more; short protein forms E33D, E54D, E61D, E67D.
Identifiers: ClinVar variation 3602473 (VCV003602473.1).
Genomic context (GRCh38, chrX:63,724,559, plus strand): 5'-AAATAGGAGAGGAGAGTGAAGACTGACACTCACCCTCACAAAGCTGGCAGGAAACCATCC[C>G]TCCTCATCGTCGATCTGGCCCCACCACCAATCCTTGTTGGAAGCATCCAAGACTTTGATG-3'
Protein context (NP_001340850.1, residues 51-71): DWWWGQIDDE[Glu61Asp]GWFPASFVRL